The following is an entry in ClinVar:

NM_019074.4(DLL4):c.1138C>T (p.Arg380Cys)

Gene: DLL4 (delta like canonical Notch ligand 4; plus strand). Cytogenetic location: 15q15.1.
Variant type: single nucleotide variant.
Coding change: c.1138C>T on transcript NM_019074.4 (MANE Select); coding-DNA position 1138, C replaced by T.
Protein change: p.Arg380Cys; replaces arginine 380 with cysteine.
Molecular consequence: missense variant.
Genome position (GRCh38, 1-based): chr15:40,935,015, C>T. VCF-style: chr15-40935015-C-T. GRCh37 (hg19) VCF-style: chr15-41227213-C-T.
Other names: short protein forms R380C.
Identifiers: ClinVar variation 2047144 (VCV002047144.4), dbSNP rs1268802700, ClinGen allele CA391779032.

ClinVar aggregate classification (germline): Uncertain significance (1 of 4 stars; one submission).

Allele frequency attached by ClinVar (database versions not stated): TOPMed below 0.00001; gnomAD 0.00001; gnomAD exomes 0.00004.
gnomAD v4.1: 61 of 1,613,410 alleles (0.0038%); highest among the groups gnomAD compares: Non-Finnish European, 0.0047%; no homozygotes.

Submission:

Labcorp Genetics (formerly Invitae), Labcorp
Classification: Uncertain significance. Last evaluated: 2023-12-31. Review status: criteria provided, single submitter. Criteria: Invitae Variant Classification Sherloc (09022015). Collection method: clinical testing. Allele origin: germline.
Comment: This sequence change replaces arginine, which is basic and polar, with cysteine, which is neutral and slightly polar, at codon 380 of the DLL4 protein (p.Arg380Cys). This variant is present in population databases (no rsID available, gnomAD no frequency). This variant has not been reported in the literature in individuals affected with DLL4-related conditions. ClinVar contains an entry for this variant (Variation ID: 2047144). Advanced modeling of protein sequence and biophysical properties (such as structural, functional, and spatial information, amino acid conservation, physicochemical variation, residue mobility, and thermodynamic stability) performed at Invitae indicates that this missense variant is not expected to disrupt DLL4 protein function with a negative predictive value of 80%. In summary, the available evidence is currently insufficient to determine the role of this variant in disease. Therefore, it has been classified as a Variant of Uncertain Significance.